The following is an entry in ClinVar:

NM_006231.4(POLE):c.5579G>A (p.Gly1860Glu)

Gene: POLE (DNA polymerase epsilon, catalytic subunit; minus strand). Cytogenetic location: 12q24.33.
Variant type: single nucleotide variant.
Coding change: c.5579G>A on transcript NM_006231.4 (MANE Select); coding-DNA position 5579, G replaced by A.
Protein change: p.Gly1860Glu; replaces glycine 1860 with glutamic acid.
Molecular consequence: missense variant.
Genome position (GRCh38, 1-based): chr12:132,638,113, C>T on the plus strand (G>A on the coding strand, the complement: POLE is on the minus strand). VCF-style: chr12-132638113-C-T. GRCh37 (hg19) VCF-style: chr12-133214699-C-T.
Other names: short protein forms G1860E.
Identifiers: ClinVar variation 1367181 (VCV001367181.8), dbSNP rs2138502062, ClinGen allele CA387374170.

ClinVar aggregate classification (germline): Uncertain significance (1 of 4 stars; one submission).

Submission:

Labcorp Genetics (formerly Invitae), Labcorp
Classification: Uncertain significance. Last evaluated: 2022-07-19. Review status: criteria provided, single submitter. Criteria: Invitae Variant Classification Sherloc (09022015). Collection method: clinical testing. Allele origin: germline.
Comment: In summary, the available evidence is currently insufficient to determine the role of this variant in disease. Therefore, it has been classified as a Variant of Uncertain Significance. Algorithms developed to predict the effect of missense changes on protein structure and function (SIFT, PolyPhen-2, Align-GVGD) all suggest that this variant is likely to be disruptive. ClinVar contains an entry for this variant (Variation ID: 1367181). This variant has not been reported in the literature in individuals affected with POLE-related conditions. This variant is not present in population databases (gnomAD no frequency). This sequence change replaces glycine, which is neutral and non-polar, with glutamic acid, which is acidic and polar, at codon 1860 of the POLE protein (p.Gly1860Glu).